The following is an entry in ClinVar:

NM_004837.4(GGPS1):c.306dup (p.Val103fs)

Gene: GGPS1 (geranylgeranyl diphosphate synthase 1; plus strand). Cytogenetic location: 1q42.3.
Variant type: Duplication.
Coding change: c.306dup on transcript NM_004837.4 (MANE Select); coding-DNA position 306, one base duplicated (A; older notation c.306dupA).
Protein change: p.Val103fs; shifts the reading frame from valine 103.
Molecular consequence: frameshift variant.
Genome position (GRCh38, 1-based): chr1:235,342,175, A duplicated; the last of 3 consecutive A bases (chr1:235,342,173-235,342,175); duplicating any one gives the same sequence. VCF-style (leftmost placement, unchanged base first): chr1-235342172-G-GA. GRCh37 (hg19) VCF-style: chr1-235505487-G-GA.
Other names: c.306dup, p.Val103fs (NM_001037277.1, NM_001371477.1, NM_001371478.1); c.144dup, p.Val49fs (NM_001037278.2); short protein forms V103fs, V49fs.
Identifiers: ClinVar variation 3724520 (VCV003724520.2).

ClinVar aggregate classification (germline): Uncertain significance (1 of 4 stars; one submission).

Submission:

Labcorp Genetics (formerly Invitae), Labcorp
Classification: Uncertain significance. Last evaluated: 2024-11-03. Review status: criteria provided, single submitter. Criteria: Invitae Variant Classification Sherloc (09022015). Collection method: clinical testing. Allele origin: germline.
Comment: This sequence change creates a premature translational stop signal (p.Val103Serfs*5) in the GGPS1 gene. While this is not anticipated to result in nonsense mediated decay, it is expected to disrupt the last 198 amino acid(s) of the GGPS1 protein. This variant is not present in population databases (gnomAD no frequency). This variant has not been reported in the literature in individuals affected with GGPS1-related conditions. In summary, the available evidence is currently insufficient to determine the role of this variant in disease. Therefore, it has been classified as a Variant of Uncertain Significance.